The following is an entry in ClinVar:

ClinVar aggregate classification (germline): Pathogenic. Review status: criteria provided, single submitter (1 of 4 stars). 2 submissions from 2 submitters: Pathogenic (1). 1 of the submissions does not count toward it. Last evaluated 2021-06-28.

Conditions:
TWIST1-related disorder.
Saethre-Chotzen syndrome (SCS). Also called: ACROCEPHALY, SKULL ASYMMETRY, AND MILD SYNDACTYLY; ACS III; CHOTZEN SYNDROME. Identifiers: Orphanet 794, MedGen C0175699, MONDO:0007042, OMIM 101400.

Submissions (2):

Blueprint Genetics
Classification: Pathogenic for TWIST1-related disorders. Last evaluated: 2021-06-28. Review status: criteria provided, single submitter. Criteria: ACMG Guidelines, 2015. Collection method: clinical testing. Allele origin: germline. Affected: yes. Observed: 1 variant allele.

MAGI'S LAB - Medical Genetics Laboratory, MAGI GROUP
Classification: Likely pathogenic for Saethre-Chotzen syndrome. Review status: no assertion criteria provided. Collection method: clinical testing. Allele origin: inherited. Inheritance: Autosomal dominant inheritance. Affected: yes. Observed: 3 variant alleles, 3 heterozygotes. Clinical features observed: Prominent crus of helix, Facial asymmetry, Ptosis, Craniosynostosis syndrome. Not counted in ClinVar's aggregate classification.
Comment: the affected patients present a c.352C>G nucleotidic change that translates in a residue substitution of the Arginine 118 with a Glycine in the helix-loop-helix domain of the protein. The identified variant falls in an hot spot that in the same syndrome has been found substituted also to cysteine, histidine, proline and serine with pathogenic implications.

NM_000474.4(TWIST1):c.352C>G (p.Arg118Gly)

Gene: TWIST1 (twist family bHLH transcription factor 1; minus strand). Cytogenetic location: 7p21.1.
Variant type: single nucleotide variant.
Coding change: c.352C>G on transcript NM_000474.4 (MANE Select); coding-DNA position 352, C replaced by G.
Protein change: p.Arg118Gly; replaces arginine 118 with glycine.
Molecular consequence: missense variant. On other transcripts: non-coding transcript variant (1).
Genome position (GRCh38, 1-based): chr7:19,116,970, G>C on the plus strand (C>G on the coding strand, the complement: TWIST1 is on the minus strand). VCF-style: chr7-19116970-G-C. GRCh37 (hg19) VCF-style: chr7-19156593-G-C.
Other names: short protein forms R118G.
Identifiers: ClinVar variation 438352 (VCV000438352.3), dbSNP rs1554442015, ClinGen allele CA367015622.